The following is an entry in ClinVar:

ClinVar aggregate classification (germline): Uncertain significance. Review status: criteria provided, multiple submitters, no conflicts (2 of 4 stars). 3 submissions from 3 submitters: Uncertain significance (3). Last evaluated 2025-08-27.

Conditions:
Inborn genetic diseases. Identifiers: MedGen C0950123, MeSH D030342.

Allele frequency attached by ClinVar (database versions not stated): TOPMed below 0.00001.

Submissions (3):

Ambry Genetics
Classification: Uncertain significance for Inborn genetic diseases. Last evaluated: 2025-08-27. Review status: criteria provided, single submitter. Criteria: Ambry Variant Classification Scheme 2023. Collection method: clinical testing. Allele origin: germline.

Dasa
Classification: Uncertain significance. Last evaluated: 2025-07-01. Review status: criteria provided, single submitter. Criteria: DASA Assertion Criteria. Collection method: clinical testing. Allele origin: germline.
Comment: NM_002025.4(AFF2):c.1444G>A (p.Gly482Arg) is a missense variant that results in the substitution of glycine with arginine. This variant is rare in population databases. Computational prediction algorithms are consistent with a benign effect. The currently available literature and clinical evidence are not sufficient to establish a definitive association between this variant and the reported condition. Therefore, this variant is classified as a variant of uncertain significance.

Labcorp Genetics (formerly Invitae), Labcorp
Classification: Uncertain significance. Last evaluated: 2022-09-20. Review status: criteria provided, single submitter. Criteria: Invitae Variant Classification Sherloc (09022015). Collection method: clinical testing. Allele origin: germline.
Comment: In summary, the available evidence is currently insufficient to determine the role of this variant in disease. Therefore, it has been classified as a Variant of Uncertain Significance. Algorithms developed to predict the effect of missense changes on protein structure and function are either unavailable or do not agree on the potential impact of this missense change (SIFT: "Tolerated"; PolyPhen-2: "Probably Damaging"; Align-GVGD: "Class C0"). This variant has not been reported in the literature in individuals affected with AFF2-related conditions. This variant is not present in population databases (gnomAD no frequency). This sequence change replaces glycine, which is neutral and non-polar, with arginine, which is basic and polar, at codon 482 of the AFF2 protein (p.Gly482Arg).

NM_002025.4(AFF2):c.1444G>A (p.Gly482Arg)

Gene: AFF2 (ALF transcription elongation factor 2; plus strand). Cytogenetic location: Xq28.
Variant type: single nucleotide variant.
Coding change: c.1444G>A on transcript NM_002025.4 (MANE Select); coding-DNA position 1444, G replaced by A.
Protein change: p.Gly482Arg; replaces glycine 482 with arginine.
Molecular consequence: missense variant.
Genome position (GRCh38, 1-based): chrX:148,953,626, G>A. VCF-style: chrX-148953626-G-A. GRCh37 (hg19) VCF-style: chrX-148035156-G-A.
Other names: c.1444G>A (NM_002025.3); c.1345G>A, p.Gly449Arg (NM_001169122.2); c.1414G>A, p.Gly472Arg (NM_001169123.2); c.1339G>A, p.Gly447Arg (NM_001169124.2); c.1327G>A, p.Gly443Arg (NM_001169125.2); c.367G>A, p.Gly123Arg (NM_001170628.1); short protein forms G123R, G443R, G447R, G449R, G472R, G482R.
Identifiers: ClinVar variation 1719842 (VCV001719842.7), dbSNP rs782182585, ClinGen allele CA414512058.